The following is an entry in ClinVar:

ClinVar aggregate classification (germline): Likely benign. Review status: criteria provided, multiple submitters, no conflicts (2 of 4 stars). 2 submissions from 2 submitters: Likely benign (2). Last evaluated 2025-04-23.

Allele frequency attached by ClinVar (database versions not stated): gnomAD exomes below 0.00001.
gnomAD v4.1: 2 of 1,613,960 alleles (0.00012%); highest among the groups gnomAD compares: Non-Finnish European, 0.00017%; no homozygotes.

Submissions (2):

Women's Health and Genetics/Laboratory Corporation of America, LabCorp
Classification: Likely benign. Last evaluated: 2025-04-23. Review status: criteria provided, single submitter. Criteria: LabCorp Variant Classification Summary - May 2015. Collection method: clinical testing. Allele origin: germline.
Comment: Variant summary: CYP11B1 c.240-7C>T alters a non-conserved nucleotide located at a position not widely known to affect splicing. Consensus agreement among computation tools predict no significant impact on normal splicing. However, these predictions have yet to be confirmed by functional studies. The variant was absent in 251072 control chromosomes. The available data on variant occurrences in the general population are insufficient to allow any conclusion about variant significance. To our knowledge, no occurrence of c.240-7C>T in individuals affected with Congenital Adrenal Hyperplasia and no experimental evidence demonstrating its impact on protein function have been reported. ClinVar contains an entry for this variant (Variation ID: 1118165). Based on the evidence outlined above, the variant was classified as likely benign.

Labcorp Genetics (formerly Invitae), Labcorp
Classification: Likely benign. Last evaluated: 2020-02-21. Review status: criteria provided, single submitter. Criteria: Invitae Variant Classification Sherloc (09022015). Collection method: clinical testing. Allele origin: germline.

NM_000497.4(CYP11B1):c.240-7C>T

Gene: CYP11B1 (cytochrome P450 family 11 subfamily B member 1; minus strand). Cytogenetic location: 8q24.3.
Variant type: single nucleotide variant.
Coding change: c.240-7C>T on transcript NM_000497.4 (MANE Select); 7 bases into the intron before coding-DNA position 240, C replaced by T.
Molecular consequence: intron variant.
Genome position (GRCh38, 1-based): chr8:142,879,194, G>A on the plus strand (C>T on the coding strand, the complement: CYP11B1 is on the minus strand). VCF-style: chr8-142879194-G-A. GRCh37 (hg19) VCF-style: chr8-143960610-G-A.
Other names: c.240-7C>T (NM_001026213.1).
Identifiers: ClinVar variation 1118165 (VCV001118165.11), dbSNP rs2130284769, ClinGen allele CA2499219136.